The following is an entry in ClinVar:

ClinVar aggregate classification (germline): Uncertain significance. Review status: criteria provided, multiple submitters, no conflicts (2 of 4 stars). 2 submissions from 2 submitters: Uncertain significance (2). Last evaluated 2018-10-31.

Conditions:
Pitt-Hopkins-like syndrome 2 (PTHSL2). Identifiers: Orphanet 221150, Orphanet 600663, MedGen C3280479, MONDO:0013690, OMIM 614325.
Chromosome 2p16.3 deletion syndrome. Identifiers: MedGen C3808494, MONDO:0013696, OMIM 614332.

Allele frequency attached by ClinVar (database versions not stated): gnomAD exomes 0.00001.
gnomAD v4.1: 17 of 1,612,738 alleles (0.0011%); highest among the groups gnomAD compares: Non-Finnish European, 0.0014%; no homozygotes.

Submissions (2):

Fulgent Genetics
Classification: Uncertain significance for Pitt-Hopkins-like syndrome 2; Chromosome 2p16.3 deletion syndrome. Last evaluated: 2018-10-31. Review status: criteria provided, single submitter. Criteria: ACMG Guidelines, 2015. Collection method: clinical testing. Allele origin: unknown.

GeneDx
Classification: Uncertain significance. Last evaluated: 2017-12-14. Review status: criteria provided, single submitter. Criteria: GeneDx Variant Classification (06012015). Collection method: clinical testing. Allele origin: germline. Affected: yes.
Comment: The His1221Arg missense change has not been published as a mutation, nor has it been reported as a benign polymorphism to our knowledge. The NHLBI ESP Exome Variant Project has not identified Arg292His in approximately 6,500 individuals of European or African American ethnicity, indicating that it is not a common benign variant in these populations. This amino acid substitution is conservative, as Histidine and Arginine are both positively charged amino acids. It alters a highly conserved position in the sixth laminin G-like domain of the protein, and multiple in silico algorithms predict His1221Arg may be damaging to protein structure/function. Therefore, based on the currently available information, it is unclear whether His1221Arg is a disease-causing mutation or a rare benignvariant. The variant is found in EPILEPSY panel(s).

NM_001330078.2(NRXN1):c.3542A>G (p.His1181Arg)

Gene: NRXN1 (neurexin 1; minus strand). Cytogenetic location: 2p16.3.
Variant type: single nucleotide variant.
Coding change: c.3542A>G on transcript NM_001330078.2 (MANE Select); coding-DNA position 3542, A replaced by G.
Protein change: p.His1181Arg; replaces histidine 1181 with arginine.
Molecular consequence: missense variant.
Genome position (GRCh38, 1-based): chr2:50,236,793, T>C on the plus strand (A>G on the coding strand, the complement: NRXN1 is on the minus strand). VCF-style: chr2-50236793-T-C. GRCh37 (hg19) VCF-style: chr2-50463931-T-C.
Other names: p.H1221R:CAT>CGT; c.3662A>G, p.His1221Arg (NM_001135659.3); c.3518A>G, p.His1173Arg (NM_001330077.2, NM_001330082.2); c.3476A>G, p.His1159Arg (NM_001330083.2, NM_001330084.2); c.3515A>G, p.His1172Arg (NM_001330085.2); c.3542A>G, p.His1181Arg (NM_001330086.2, NM_004801.6); c.3431A>G, p.His1144Arg (NM_001330087.2, NM_001330096.2); c.3461A>G, p.His1154Arg (NM_001330088.2); and 4 more; short protein forms H1221R, H1144R, H1164R, H146R, H1173R, H1159R, H1177R, H1180R.
Identifiers: ClinVar variation 206267 (VCV000206267.3), dbSNP rs200915287, ClinGen allele CA316181.